The following is an entry in ClinVar:

ClinVar aggregate classification (germline): Uncertain significance (1 of 4 stars; one submission).

gnomAD v4.1: 8 of 1,614,058 alleles (0.0005%); highest among the groups gnomAD compares: Non-Finnish European, 0.00068%; no homozygotes.

Submission:

Ambry Genetics
Classification: Uncertain significance. Last evaluated: 2024-10-17. Review status: criteria provided, single submitter. Criteria: Ambry Variant Classification Scheme 2023. Collection method: clinical testing. Allele origin: germline.
Comment: The p.E804D variant (also known as c.2412A>T), located in coding exon 13 of the GEN1 gene, results from an A to T substitution at nucleotide position 2412. The glutamic acid at codon 804 is replaced by aspartic acid, an amino acid with highly similar properties. This amino acid position is conserved. In addition, this alteration is predicted to be tolerated by in silico analysis. Based on the available evidence, the clinical significance of this variant remains unclear.

NM_001130009.3(GEN1):c.2412A>T (p.Glu804Asp)

Gene: GEN1 (GEN1 Holliday junction 5' flap endonuclease; plus strand). Cytogenetic location: 2p24.2.
Variant type: single nucleotide variant.
Coding change: c.2412A>T on transcript NM_001130009.3 (MANE Select); coding-DNA position 2412, A replaced by T.
Protein change: p.Glu804Asp; replaces glutamic acid 804 with aspartic acid.
Molecular consequence: missense variant.
Genome position (GRCh38, 1-based): chr2:17,781,624, A>T. VCF-style: chr2-17781624-A-T. GRCh37 (hg19) VCF-style: chr2-17962891-A-T.
Other names: c.2412A>T, p.Glu804Asp (NM_182625.5); short protein forms E804D.
Identifiers: ClinVar variation 3519706 (VCV003519706.1).